The following is an entry in ClinVar:

ClinVar aggregate classification (germline): Benign/Likely benign. Review status: criteria provided, multiple submitters, no conflicts (2 of 4 stars). 8 submissions from 8 submitters: Benign (7); Likely benign (1). Last evaluated 2026-01-19.

Conditions:
Thrombocytopenia 2 (THC2). Also called: ANKRD26-Related Thrombocytopenia. Identifiers: Orphanet 268322, MedGen C1861185, MONDO:0008555, OMIM 188000.

Allele frequency attached by ClinVar (database versions not stated): gnomAD exomes 0.00052 and 0.00122; ExAC 0.00158; 1000 Genomes Project 0.00399; 1000 Genomes Project 30x 0.00422; ESP Exome Variant Server 0.00569; TOPMed 0.00601.

Submissions (8):

Labcorp Genetics (formerly Invitae), Labcorp
Classification: Benign. Last evaluated: 2026-01-19. Review status: criteria provided, single submitter. Criteria: Invitae Variant Classification Sherloc (09022015). Collection method: clinical testing. Allele origin: germline.

Blueprint Genetics
Classification: Likely benign. Last evaluated: 2024-11-27. Review status: criteria provided, single submitter. Criteria: ACMG Guidelines, 2015. Collection method: clinical testing. Allele origin: germline.

Mayo Clinic Laboratories, Mayo Clinic
Classification: Benign. Last evaluated: 2024-04-25. Review status: criteria provided, single submitter. Criteria: ACMG Guidelines, 2015. Collection method: clinical testing. Allele origin: germline. Observed: 4 variant alleles.
Comment: BS1, BS2, BP4

Genome-Nilou Lab
Classification: Benign for Thrombocytopenia 2. Last evaluated: 2021-12-05. Review status: criteria provided, single submitter. Criteria: ACMG Guidelines, 2015. Collection method: clinical testing. Allele origin: germline. Affected: no.

Illumina Laboratory Services, Illumina
Classification: Benign for Thrombocytopenia 2. Last evaluated: 2018-01-13. Review status: criteria provided, single submitter. Criteria: ICSL Variant Classification Criteria 13 December 2019. Collection method: clinical testing. Allele origin: germline.
Comment: This variant was observed in the ICSL laboratory as part of a predisposition screen in an ostensibly healthy population. It had not been previously curated by ICSL or reported in the Human Gene Mutation Database (HGMD: prior to June 1st, 2018), and was therefore a candidate for classification through an automated scoring system. Utilizing variant allele frequency, disease prevalence and penetrance estimates, and inheritance mode, an automated score was calculated to assess if this variant is too frequent to cause the disease. Based on the score and internal cut-off values, a variant classified as benign is not then subjected to further curation. The score for this variant resulted in a classification of benign for this disease.

Genetic Services Laboratory, University of Chicago
Classification: Benign. Last evaluated: 2017-11-30. Review status: criteria provided, single submitter. Criteria: ACMG Guidelines, 2015. Collection method: clinical testing. Allele origin: germline. Affected: no.

Breakthrough Genomics
Classification: Benign. Review status: criteria provided, single submitter. Criteria: ACMG Guidelines, 2015. Collection method: not provided. Allele origin: germline. Inheritance: Autosomal dominant inheritance. Affected: yes.

PreventionGenetics, part of Exact Sciences
Classification: Benign. Review status: criteria provided, single submitter. Criteria: ACMG Guidelines, 2015. Collection method: clinical testing. Allele origin: germline.

NM_014915.3(ANKRD26):c.4145T>A (p.Phe1382Tyr)

Gene: ANKRD26 (ankyrin repeat domain 26; minus strand). Cytogenetic location: 10p12.1.
Variant type: single nucleotide variant.
Coding change: c.4145T>A on transcript NM_014915.3 (MANE Select); coding-DNA position 4145, T replaced by A.
Protein change: p.Phe1382Tyr; replaces phenylalanine 1382 with tyrosine.
Molecular consequence: missense variant.
Genome position (GRCh38, 1-based): chr10:27,022,628, A>T on the plus strand (T>A on the coding strand, the complement: ANKRD26 is on the minus strand). VCF-style: chr10-27022628-A-T. GRCh37 (hg19) VCF-style: chr10-27311557-A-T.
Other names: p.Phe1382Tyr; c.4142T>A, p.Phe1381Tyr (NM_001256053.2); short protein forms F1382Y, F1381Y.
Identifiers: ClinVar variation 260469 (VCV000260469.21), dbSNP rs78251061, ClinGen allele CA5447840.